The following is an entry in ClinVar:

ClinVar aggregate classification (germline): Benign/Likely benign. Review status: criteria provided, multiple submitters, no conflicts (2 of 4 stars). 6 submissions from 6 submitters: Benign (4); Likely benign (1). 1 of the submissions does not count toward it. Last evaluated 2026-02-04.

Conditions:
Peroxisome biogenesis disorder 3A (Zellweger). Also called: PEROXISOMAL BIOGENESIS DISORDER 3A (ZELLWEGER); Peroxisome biogenesis disorder 3A. Identifiers: Orphanet 912, MedGen C3553929, MONDO:0013927, OMIM 614859.

Submissions (6):

Labcorp Genetics (formerly Invitae), Labcorp
Classification: Benign for Peroxisome biogenesis disorder 3A (Zellweger). Last evaluated: 2026-02-04. Review status: criteria provided, single submitter. Criteria: Invitae Variant Classification Sherloc (09022015). Collection method: clinical testing. Allele origin: germline.

ARUP Laboratories, Molecular Genetics and Genomics, ARUP Laboratories
Classification: Benign. Last evaluated: 2023-11-06. Review status: criteria provided, single submitter. Criteria: ARUP Molecular Germline Variant Investigation Process 2024. Collection method: clinical testing. Allele origin: germline.

Women's Health and Genetics/Laboratory Corporation of America, LabCorp
Classification: Benign. Last evaluated: 2021-12-20. Review status: criteria provided, single submitter. Criteria: LabCorp Variant Classification Summary - May 2015. Collection method: clinical testing. Allele origin: germline.
Comment: Variant summary: PEX12 c.681-3_681-2delCA alters a nucleotide located close to a canonical splice site and therefore could affect mRNA splicing, leading to a significantly altered protein sequence. The variant allele was found at a frequency of 0.0027 in 248770 control chromosomes, predominantly at a frequency of 0.036 within the African or African-American subpopulation in the gnomAD database, including 10 homozygotes. The observed variant frequency within African or African-American control individuals in the gnomAD database is approximately 22.77 fold of the estimated maximal expected allele frequency for a pathogenic variant in PEX12 causing Zellweger Syndrome phenotype (0.0016), strongly suggesting that the variant is a benign polymorphism found primarily in populations of African or African-American origin. Three clinical diagnostic laboratories have submitted clinical-significance assessments for this variant to ClinVar after 2014 without evidence for independent evaluation. All laboratories classified the variant as benign/likely benign. Based on the evidence outlined above, the variant was classified as benign.

GeneDx
Classification: Likely benign. Last evaluated: 2020-11-18. Review status: criteria provided, single submitter. Criteria: GeneDx Variant Classification Process June 2021. Collection method: clinical testing. Allele origin: germline. Affected: yes.

Eurofins Ntd Llc (ga)
Classification: Benign. Last evaluated: 2013-03-11. Review status: criteria provided, single submitter. Criteria: EGL Classification Definitions 2015. Collection method: clinical testing. Allele origin: germline. Observed: 1 variant allele, 1 heterozygote.

Mayo Clinic Laboratories, Mayo Clinic
Classification: Benign. Last evaluated: 2016-10-14. Review status: no assertion criteria provided. Collection method: clinical testing. Allele origin: unknown. Not counted in ClinVar's aggregate classification.

NM_000286.3(PEX12):c.681-3_681-2del

Gene: PEX12 (peroxisomal biogenesis factor 12; minus strand). Cytogenetic location: 17q12.
Variant type: Deletion.
Coding change: c.681-3_681-2del on transcript NM_000286.3 (MANE Select); 3 bases into the intron before coding-DNA position 681 through the canonical splice acceptor site of the intron before coding-DNA position 681, 2 bases deleted (CA; older notation c.681-3_681-2delCA).
Molecular consequence: splice acceptor variant.
Genome position (GRCh38, 1-based): chr17:35,576,183-35,576,184, TG deleted on the plus strand (CA on the coding strand, the reverse complement: PEX12 is on the minus strand); deleting any 2 consecutive bases within chr17:35,576,183-35,576,185 gives the same sequence; the c. name uses the placement nearest the transcript's 3' end. VCF-style (leftmost placement, unchanged base first): chr17-35576182-CTG-C. GRCh37 (hg19) VCF-style: chr17-33903201-CTG-C.
Other names: c.681-3_681-2del (NM_000286.2).
Identifiers: ClinVar variation 92775 (VCV000092775.21), dbSNP rs138568975, ClinGen allele CA145998.
Genomic context (GRCh38, chr17:35,576,182, plus strand): 5'-AGGGATAAGGCAACACCCCCAACAGCTTTCTTCAGAGCTGAGTTTATCTTCTCACTAACA[CTG>C]TTGGGAGAAAAGAACAAGGAGGCAAAGAGAGAAACTTTATTTAGGTATCATTACAAAGTG-3'